The following is an entry in ClinVar:

NM_206933.4(USH2A):c.9469C>T (p.Gln3157Ter)

Gene: USH2A (usherin; minus strand). Cytogenetic location: 1q41.
Variant type: single nucleotide variant.
Coding change: c.9469C>T on transcript NM_206933.4 (MANE Select); coding-DNA position 9469, C replaced by T.
Protein change: p.Gln3157Ter; replaces glutamine 3157 with a stop codon.
Molecular consequence: nonsense.
Genome position (GRCh38, 1-based): chr1:215,817,098, G>A on the plus strand (C>T on the coding strand, the complement: USH2A is on the minus strand). VCF-style: chr1-215817098-G-A. GRCh37 (hg19) VCF-style: chr1-215990440-G-A.
Other names: short protein forms Q3157*.
Identifiers: ClinVar variation 555916 (VCV000555916.22), dbSNP rs772100045, ClinGen allele CA1394306.

ClinVar aggregate classification (germline): Pathogenic/Likely pathogenic. Review status: criteria provided, multiple submitters, no conflicts (2 of 4 stars). 11 submissions from 10 submitters: Pathogenic (9); Likely pathogenic (1). 1 of the submissions does not count toward it. Last evaluated 2026-01-24.

Conditions:
Usher syndrome. Also called: Usher Syndromes; Usher's syndrome. Identifiers: Orphanet 886, MedGen CN469326, MeSH D052245, MONDO:0019501. Disease mechanism: loss of function.
Usher syndrome type 2A. Also called: RETINAL DISEASE IN USHER SYNDROME TYPE IIA, MODIFIER OF; USHER SYNDROME, TYPE IIA. Identifiers: Orphanet 231178, Orphanet 886, MedGen C1848634, MONDO:0010169, OMIM 276901.
Retinitis pigmentosa 39 (RP39). Identifiers: Orphanet 791, MedGen C3151138, MONDO:0013436, OMIM 613809.
USH2A-related disorder. Also called: USH2A-related disorders; USH2A-related condition. Identifiers: MedGen CN239332.

Allele frequency attached by ClinVar (database versions not stated): gnomAD 0.00001; ExAC 0.00002; TOPMed 0.00002.
gnomAD v4.1: 3 of 1,612,726 alleles (0.00019%); highest among the groups gnomAD compares: East Asian, 0.0067%; no homozygotes.

Submissions (11):

Labcorp Genetics (formerly Invitae), Labcorp
Classification: Pathogenic. Last evaluated: 2026-01-24. Review status: criteria provided, single submitter. Criteria: Invitae Variant Classification Sherloc (09022015). Collection method: clinical testing. Allele origin: germline.
Comment: This sequence change creates a premature translational stop signal (p.Gln3157*) in the USH2A gene. It is expected to result in an absent or disrupted protein product. Loss-of-function variants in USH2A are known to be pathogenic (PMID: 10729113, 10909849, 20507924, 25649381). This variant is present in population databases (rs772100045, gnomAD 0.02%). This premature translational stop signal has been observed in individuals with Usher syndrome or inherited retinal dystrophy (PMID: 23737954, 25356976, 26338283). ClinVar contains an entry for this variant (Variation ID: 555916). For these reasons, this variant has been classified as Pathogenic.

SingHealth Duke-NUS Institute of Precision Medicine
Classification: Likely pathogenic for Retinitis pigmentosa 39. Last evaluated: 2025-02-05. Review status: criteria provided, single submitter. Criteria: PRISM ACMG Classification Criteria. Collection method: clinical testing. Allele origin: germline. Affected: yes.
Comment: Variant is predicted to cause nonsense-mediated decay in a gene where LOF is a known cause of pathogenicity (PVS1). Homozygous allele count in gnomAD exomes and genomes are less than 0 (PM2).

Natera, Inc.
Classification: Pathogenic for Usher syndrome type 2A. Last evaluated: 2025-01-29. Review status: criteria provided, single submitter. Criteria: Natera Variant Classification Schema (03/2026). Collection method: clinical testing. Allele origin: germline.
Comment: The c.9469C>T variant in USH2A is a nonsense variant predicted to introduce a stop codon at amino acid 3157. This variant is expected to result in nonsense mediated decay, truncation, or a dysfunctional protein product. This variant is rare in the general population with a frequency below the threshold expected for the associated phenotype(s). This variant has been observed in one or more individuals affected with the associated recessive disease, as either homozygous or compound heterozygous with a second variant (PMID: 25356976). Given the available evidence, this variant is classified as Pathogenic.

Blueprint Genetics
Classification: Pathogenic for USH2A-related disorders. Last evaluated: 2024-11-07. Review status: criteria provided, single submitter. Criteria: ACMG Guidelines, 2015. Collection method: clinical testing. Allele origin: germline. Affected: yes. Observed: 5 variant alleles.

Baylor Genetics
Classification: Pathogenic for Retinitis pigmentosa 39. Last evaluated: 2023-11-11. Review status: criteria provided, single submitter. Criteria: ACMG Guidelines, 2015. Collection method: clinical testing. Allele origin: unknown.

Genome-Nilou Lab
Classification: Pathogenic for Retinitis pigmentosa 39. Last evaluated: 2023-11-04. Review status: criteria provided, single submitter. Criteria: ACMG Guidelines, 2015. Collection method: clinical testing. Allele origin: germline. Affected: no.

Genome-Nilou Lab
Classification: Pathogenic for Usher syndrome type 2A. Last evaluated: 2023-11-04. Review status: criteria provided, single submitter. Criteria: ACMG Guidelines, 2015. Collection method: clinical testing. Allele origin: germline. Affected: no.

Fulgent Genetics
Classification: Pathogenic for Usher syndrome type 2A; Retinitis pigmentosa 39. Last evaluated: 2022-05-06. Review status: criteria provided, single submitter. Criteria: ACMG Guidelines, 2015. Collection method: clinical testing. Allele origin: unknown.

Women's Health and Genetics/Laboratory Corporation of America, LabCorp
Classification: Pathogenic for Usher syndrome. Last evaluated: 2022-02-04. Review status: criteria provided, single submitter. Criteria: LabCorp Variant Classification Summary - May 2015. Collection method: clinical testing. Allele origin: germline.
Comment: Variant summary: USH2A c.9469C>T (p.Gln3157X) results in a premature termination codon, predicted to cause a truncation of the encoded protein or absence of the protein due to nonsense mediated decay, which are commonly known mechanisms for disease. The variant allele was found at a frequency of 1.6e-05 in 250496 control chromosomes (gnomAD). c.9469C>T has been reported in the literature in multiple compound heterozygous and homozygous individuals affected with Usher Syndrome or Retinitis Pigmentosa (example: Gao_2021, Shen_2021, Wafa_2021). These data indicate that the variant is very likely to be associated with disease. To our knowledge, no experimental evidence demonstrating an impact on protein function has been reported. Four ClinVar submitters have assessed the variant since 2014: all four classified the variant as pathogenic. Based on the evidence outlined above, the variant was classified as pathogenic.

Juno Genomics, Hangzhou Juno Genomics, Inc
Classification: Pathogenic for Usher syndrome type 2A. Review status: criteria provided, single submitter. Criteria: ACMG Guidelines, 2015. Collection method: clinical testing. Allele origin: germline. Affected: yes.
Comment: Absent from controls (or at extremely low frequency if recessive) in Genome Aggregation Database, Exome Sequencing Project, 1000 Genomes Project, or Exome Aggregation Consortium.;For recessive disorders, detected in trans with a pathogenic variant.;Null variant in a gene where loss of function (LOF) is a known mechanism of disease.

Counsyl
Classification: Pathogenic for Usher syndrome type 2A; Retinitis pigmentosa 39. Last evaluated: 2018-01-03. Review status: no assertion criteria provided. Collection method: clinical testing. Allele origin: unknown. Not counted in ClinVar's aggregate classification.

Literature cited by the submitters: PubMed 10729113 (cited by Labcorp Genetics (formerly Invitae), Labcorp); PubMed 10909849 (cited by Labcorp Genetics (formerly Invitae), Labcorp); PubMed 20507924 (cited by Labcorp Genetics (formerly Invitae), Labcorp); PubMed 25649381 (cited by Labcorp Genetics (formerly Invitae), Labcorp); PubMed 23737954 (cited by Labcorp Genetics (formerly Invitae), Labcorp); PubMed 25356976 (cited by 3 submitters); PubMed 26338283 (cited by Labcorp Genetics (formerly Invitae), Labcorp and Counsyl); PubMed 32188678 (cited by Women's Health and Genetics/Laboratory Corporation of America, LabCorp); PubMed 33089500 (cited by Women's Health and Genetics/Laboratory Corporation of America, LabCorp); PubMed 34130719 (cited by Women's Health and Genetics/Laboratory Corporation of America, LabCorp); PubMed 21593743 (cited by Counsyl).